The following is an entry in ClinVar:

ClinVar aggregate classification (germline): Benign. Review status: criteria provided, multiple submitters, no conflicts (2 of 4 stars). 6 submissions from 3 submitters: Benign (6). Last evaluated 2021-07-01.

Conditions:
Corticosterone 18-monooxygenase deficiency. Also called: ALDOSTERONE DEFICIENCY DUE TO DEFECT IN STEROID 18-HYDROXYLASE; ALDOSTERONE DEFICIENCY I; CMO I DEFICIENCY; STEROID 18-HYDROXYLASE DEFICIENCY; 18 Hydroxylase deficiency; Aldosterone deficiency due to defect in 18 hydroxylase. Identifiers: Orphanet 427, MedGen C0268293, MONDO:0008751, OMIM 203400. Disease mechanism: loss of function.
Corticosterone methyloxidase type 2 deficiency. Also called: 18-OXIDASE DEFICIENCY; ALDOSTERONE DEFICIENCY DUE TO DEFICIENCY OF STEROID 18-OXIDASE; ALDOSTERONE DEFICIENCY II; CMO II DEFICIENCY; STEROID 18-OXIDASE DEFICIENCY. Identifiers: Orphanet 427, MedGen C3463917, MONDO:0012524, OMIM 610600. Disease mechanism: loss of function.
Glucocorticoid-remediable aldosteronism. Also called: Hyperaldosteronism, familial, type I; ACTH-DEPENDENT HYPERALDOSTERONISM SYNDROME; ALDOSTERONISM, SENSITIVE TO DEXAMETHASONE; FH I; GLUCOCORTICOID-SUPPRESSIBLE HYPERALDOSTERONISM. Identifiers: Orphanet 403, MedGen C3838731, MONDO:0007080, OMIM 103900.

Allele frequency attached by ClinVar (database versions not stated): 1000 Genomes Project 0.13219; 1000 Genomes Project 30x 0.13304; TOPMed 0.18843; gnomAD 0.20028 and 0.20109.
gnomAD v4.1: 419,432 of 1,599,268 alleles (26%); highest among the groups gnomAD compares: Non-Finnish European, 30%; 59,115 homozygotes.

Submissions (6):

Genome-Nilou Lab
Classification: Benign for Corticosterone 18-monooxygenase deficiency. Last evaluated: 2021-07-01. Review status: criteria provided, single submitter. Criteria: ACMG Guidelines, 2015. Collection method: clinical testing. Allele origin: germline. Affected: no.

Genome-Nilou Lab
Classification: Benign for Corticosterone methyloxidase type 2 deficiency. Last evaluated: 2021-07-01. Review status: criteria provided, single submitter. Criteria: ACMG Guidelines, 2015. Collection method: clinical testing. Allele origin: germline. Affected: no.

Illumina Laboratory Services, Illumina
Classification: Benign for Corticosterone 18-monooxygenase deficiency. Last evaluated: 2018-01-13. Review status: criteria provided, single submitter. Criteria: ICSL Variant Classification Criteria 13 December 2019. Collection method: clinical testing. Allele origin: germline.
Comment: This variant was observed in the ICSL laboratory as part of a predisposition screen in an ostensibly healthy population. It had not been previously curated by ICSL or reported in the Human Gene Mutation Database (HGMD: prior to June 1st, 2018), and was therefore a candidate for classification through an automated scoring system. Utilizing variant allele frequency, disease prevalence and penetrance estimates, and inheritance mode, an automated score was calculated to assess if this variant is too frequent to cause the disease. Based on the score and internal cut-off values, a variant classified as benign is not then subjected to further curation. The score for this variant resulted in a classification of benign for this disease.

Illumina Laboratory Services, Illumina
Classification: Benign for Hyperaldosteronism, familial, type I. Last evaluated: 2018-01-13. Review status: criteria provided, single submitter. Criteria: ICSL Variant Classification Criteria 13 December 2019. Collection method: clinical testing. Allele origin: germline.
Comment: the same text as in the submission from Illumina Laboratory Services, Illumina above.

Illumina Laboratory Services, Illumina
Classification: Benign for Corticosterone methyloxidase type 2 deficiency. Last evaluated: 2018-01-13. Review status: criteria provided, single submitter. Criteria: ICSL Variant Classification Criteria 13 December 2019. Collection method: clinical testing. Allele origin: germline.
Comment: the same text as in the submission from Illumina Laboratory Services, Illumina above.

Breakthrough Genomics
Classification: Benign. Review status: criteria provided, single submitter. Criteria: ACMG Guidelines, 2015. Collection method: not provided. Allele origin: germline. Inheritance: Autosomal recessive inheritance. Affected: yes.

NM_000498.3(CYP11B2):c.*81G>A

Genes: CYP11B2 (cytochrome P450 family 11 subfamily B member 2; minus strand), LOC106799834 (CYP11B2 recombination region; plus strand). Cytogenetic location: 8q24.3.
Variant type: single nucleotide variant.
Coding change: c.*81G>A on transcript NM_000498.3 (MANE Select); 81 bases downstream of the stop codon, G replaced by A.
Molecular consequence: 3 prime UTR variant.
Genome position (GRCh38, 1-based): chr8:142,911,899, C>T on the plus strand (G>A on the coding strand, the complement: CYP11B2 is on the minus strand). VCF-style: chr8-142911899-C-T. GRCh37 (hg19) VCF-style: chr8-143993315-C-T.
Identifiers: ClinVar variation 362191 (VCV000362191.9), dbSNP rs3097, ClinGen allele CA10624975.